The following is an entry in ClinVar:

ClinVar aggregate classification (germline): Benign/Likely benign. Review status: criteria provided, multiple submitters, no conflicts (2 of 4 stars). 4 submissions from 4 submitters: Benign (1); Likely benign (2). 1 of the submissions does not count toward it. Last evaluated 2024-11-14.

Conditions:
ECEL1-related disorder. Also called: ECEL1-related condition.
Distal arthrogryposis type 5D (DA5D). Identifiers: Orphanet 329457, MedGen C3554415, MONDO:0014028, OMIM 615065.

Allele frequency attached by ClinVar (database versions not stated): gnomAD exomes 0.00021 and 0.00081; gnomAD 0.00033 and 0.00040; TOPMed 0.00054; ExAC 0.00108; 1000 Genomes Project 30x 0.00187; 1000 Genomes Project 0.00200.

Submissions (4):

Blueprint Genetics
Classification: Likely benign. Last evaluated: 2024-11-14. Review status: criteria provided, single submitter. Criteria: ACMG Guidelines, 2015. Collection method: clinical testing. Allele origin: germline.

Fulgent Genetics
Classification: Likely benign for Distal arthrogryposis type 5D. Last evaluated: 2022-04-27. Review status: criteria provided, single submitter. Criteria: ACMG Guidelines, 2015. Collection method: clinical testing. Allele origin: unknown.

Labcorp Genetics (formerly Invitae), Labcorp
Classification: Benign. Last evaluated: 2019-12-31. Review status: criteria provided, single submitter. Criteria: Invitae Variant Classification Sherloc (09022015). Collection method: clinical testing. Allele origin: germline.

PreventionGenetics, part of Exact Sciences
Classification: Benign for ECEL1-related condition. Last evaluated: 2019-10-28. Review status: no assertion criteria provided. Collection method: clinical testing. Allele origin: germline. Not counted in ClinVar's aggregate classification.
Comment: This variant is classified as benign based on ACMG/AMP sequence variant interpretation guidelines (Richards et al. 2015 PMID: 25741868, with internal and published modifications).

NM_004826.4(ECEL1):c.411C>T (p.Arg137=)

Gene: ECEL1 (endothelin converting enzyme like 1; minus strand). Cytogenetic location: 2q37.1.
Variant type: single nucleotide variant.
Coding change: c.411C>T on transcript NM_004826.4 (MANE Select); coding-DNA position 411, C replaced by T.
Protein change: p.Arg137=; no amino-acid change (arginine 137 retained).
Molecular consequence: synonymous variant.
Genome position (GRCh38, 1-based): chr2:232,486,243, G>A on the plus strand (C>T on the coding strand, the complement: ECEL1 is on the minus strand). VCF-style: chr2-232486243-G-A. GRCh37 (hg19) VCF-style: chr2-233350953-G-A.
Other names: c.411C>T, p.Arg137= (NM_001290787.2).
Identifiers: ClinVar variation 731210 (VCV000731210.8), dbSNP rs376256094, ClinGen allele CA2167603.